The following is an entry in ClinVar:

NM_000421.5(KRT10):c.1560C>T (p.Gly520=)

Gene: KRT10 (keratin 10; minus strand). Cytogenetic location: 17q21.2.
Variant type: single nucleotide variant.
Coding change: c.1560C>T on transcript NM_000421.5 (MANE Select); coding-DNA position 1560, C replaced by T.
Protein change: p.Gly520=; no amino-acid change (glycine 520 retained).
Molecular consequence: synonymous variant.
Genome position (GRCh38, 1-based): chr17:40,818,975, G>A on the plus strand (C>T on the coding strand, the complement: KRT10 is on the minus strand). VCF-style: chr17-40818975-G-A. GRCh37 (hg19) VCF-style: chr17-38975227-G-A.
Other names: c.1560C>T, p.Gly520= (NM_001379366.1).
Identifiers: ClinVar variation 2647747 (VCV002647747.24), dbSNP rs2508769771, ClinGen allele CA500186040.

ClinVar aggregate classification (germline): Likely benign (1 of 4 stars; one submission).

gnomAD v4.1: 4 of 1,379,866 alleles (0.00029%); highest among the groups gnomAD compares: Non-Finnish European, 0.00038%; no homozygotes.

Submission:

CeGaT Center for Human Genetics Tuebingen
Classification: Likely benign. Last evaluated: 2022-04-01. Review status: criteria provided, single submitter. Criteria: CeGaT Center For Human Genetics Tuebingen Variant Classification Criteria Version 2. Collection method: clinical testing. Allele origin: germline. Affected: yes. Observed: 1 variant allele.
Comment: KRT10: PM2:Supporting, BP4, BP7